The following is an entry in ClinVar:

ClinVar aggregate classification (germline): Likely benign (0 of 4 stars; one submission).

Conditions:
MC4R-related disorder. Also called: MC4R-related condition.

Allele frequency attached by ClinVar (database versions not stated): gnomAD exomes 0.00001; ExAC 0.00006; gnomAD 0.00007; TOPMed 0.00009; ESP Exome Variant Server 0.00031.
gnomAD v4.1: 20 of 1,614,052 alleles (0.0012%); highest among the groups gnomAD compares: African/African-American, 0.015%; no homozygotes.

Submission:

PreventionGenetics, part of Exact Sciences
Classification: Likely benign for MC4R-related condition. Last evaluated: 2021-10-15. Review status: no assertion criteria provided. Collection method: clinical testing. Allele origin: germline.
Comment: This variant is classified as likely benign based on ACMG/AMP sequence variant interpretation guidelines (Richards et al. 2015 PMID: 25741868, with internal and published modifications).

NM_005912.3(MC4R):c.24G>A (p.Gly8=)

Gene: MC4R (melanocortin 4 receptor; minus strand). Cytogenetic location: 18q21.32.
Variant type: single nucleotide variant.
Coding change: c.24G>A on transcript NM_005912.3 (MANE Select); coding-DNA position 24, G replaced by A.
Protein change: p.Gly8=; no amino-acid change (glycine 8 retained).
Molecular consequence: synonymous variant.
Genome position (GRCh38, 1-based): chr18:60,372,326, C>T on the plus strand (G>A on the coding strand, the complement: MC4R is on the minus strand). VCF-style: chr18-60372326-C-T. GRCh37 (hg19) VCF-style: chr18-58039559-C-T.
Identifiers: ClinVar variation 3032659 (VCV003032659.2), dbSNP rs148256915, ClinGen allele CA8981001.